The following is an entry in ClinVar:

NM_012330.4(KAT6B):c.4079AAGAGGAAG[2] (p.Glu1366_Glu1368del)

Gene: KAT6B (lysine acetyltransferase 6B; plus strand). Cytogenetic location: 10q22.2.
Variant type: Microsatellite.
Coding change: c.4079AAGAGGAAG[2] on transcript NM_012330.4 (MANE Select); two copies in a row of the 9-base unit AAGAGGAAG starting at c.4079; the reference has three copies in a row; one copy, 9 bases deleted.
Protein change: p.Glu1366_Glu1368del.
Molecular consequence: inframe deletion.
Genome position (GRCh38, 1-based): chr10:75,028,921-75,028,929, AAGAGGAAG deleted; deleting any 9 consecutive bases within chr10:75,028,902-75,028,929 gives the same sequence; the position shown is the placement nearest the transcript's 3' end. VCF-style (leftmost placement, unchanged base first): chr10-75028901-GGAAGAGGAA-G. GRCh37 (hg19) VCF-style: chr10-76788659-GGAAGAGGAA-G.
Other names: c.3530AAGAGGAAG[2], p.Glu1183_Glu1185del (NM_001256468.2, NM_001370138.1); c.3203AAGAGGAAG[2], p.Glu1074_Glu1076del (NM_001256469.2, NM_001370139.1, NM_001370140.1 and 2 more transcripts); c.3041AAGAGGAAG[2], p.Glu1020_Glu1022del (NM_001370132.1); c.2390AAGAGGAAG[2], p.Glu803_Glu805del (NM_001370133.1); c.1994AAGAGGAAG[2], p.Glu671_Glu673del (NM_001370134.1); c.1736AAGAGGAAG[2], p.Glu585_Glu587del (NM_001370135.1); c.4079AAGAGGAAG[2], p.Glu1366_Glu1368del (NM_001370136.1, NM_001370137.1); c.3014AAGAGGAAG[2], p.Glu1011_Glu1013del (NM_001370143.1, NM_001370144.1); and 1 more.
Identifiers: ClinVar variation 260243 (VCV000260243.54), dbSNP rs375513122, ClinGen allele CA5564962.

ClinVar aggregate classification (germline): Benign/Likely benign. Review status: criteria provided, multiple submitters, no conflicts (2 of 4 stars). 9 submissions from 9 submitters: Benign (4); Likely benign (3). 2 of the submissions do not count toward it. Last evaluated 2026-09-01.

Conditions:
Genitopatellar syndrome (GTPTS). Also called: Genitopatellar syndrome (GPS); ABSENT PATELLAE, SCROTAL HYPOPLASIA, RENAL ANOMALIES, FACIAL DYSMORPHISM, AND MENTAL RETARDATION. Identifiers: Orphanet 85201, MedGen C1853566, MONDO:0011640, OMIM 606170.

Submissions (9):

CeGaT Center for Human Genetics Tuebingen
Classification: Benign. Last evaluated: 2026-09-01. Review status: criteria provided, single submitter. Criteria: CeGaT Center For Human Genetics Tuebingen Variant Classification Criteria Version 2. Collection method: clinical testing. Allele origin: germline. Affected: yes. Observed: 38 variant alleles.
Comment: KAT6B: BS1, BS2

Labcorp Genetics (formerly Invitae), Labcorp
Classification: Benign for Genitopatellar syndrome. Last evaluated: 2026-02-01. Review status: criteria provided, single submitter. Criteria: Invitae Variant Classification Sherloc (09022015). Collection method: clinical testing. Allele origin: germline.

Blueprint Genetics
Classification: Likely benign. Last evaluated: 2024-11-27. Review status: criteria provided, single submitter. Criteria: ACMG Guidelines, 2015. Collection method: clinical testing. Allele origin: germline.

GeneDx
Classification: Likely benign. Last evaluated: 2020-12-01. Review status: criteria provided, single submitter. Criteria: GeneDx Variant Classification Process June 2021. Collection method: clinical testing. Allele origin: germline. Affected: yes.

Mendelics
Classification: Likely benign for Genitopatellar syndrome. Last evaluated: 2019-05-28. Review status: criteria provided, single submitter. Criteria: Mendelics Assertion Criteria 2017. Collection method: clinical testing. Allele origin: unknown.

Center for Pediatric Genomic Medicine, Children's Mercy Hospital and Clinics
Classification: Benign. Last evaluated: 2016-01-13. Review status: criteria provided, single submitter. Criteria: ACMG Guidelines, 2015. Collection method: clinical testing. Allele origin: germline.

PreventionGenetics, part of Exact Sciences
Classification: Benign. Review status: criteria provided, single submitter. Criteria: ACMG Guidelines, 2015. Collection method: clinical testing. Allele origin: germline.

Diagnostic Laboratory, Department of Genetics, University Medical Center Groningen
Classification: Benign. Review status: no assertion criteria provided. Collection method: clinical testing. Allele origin: germline. Affected: yes. Study: VKGL Data-share Consensus. Not counted in ClinVar's aggregate classification.

Laboratory of Diagnostic Genome Analysis, Leiden University Medical Center (LUMC)
Classification: Benign. Review status: no assertion criteria provided. Collection method: clinical testing. Allele origin: germline. Affected: yes. Study: VKGL Data-share Consensus. Not counted in ClinVar's aggregate classification.